The following is an entry in ClinVar:

NM_000443.4(ABCB4):c.1798A>G (p.Ile600Val)

Gene: ABCB4 (ATP binding cassette subfamily B member 4; minus strand). Cytogenetic location: 7q21.12.
Variant type: single nucleotide variant.
Coding change: c.1798A>G on transcript NM_000443.4 (MANE Select); coding-DNA position 1798, A replaced by G.
Protein change: p.Ile600Val; replaces isoleucine 600 with valine.
Molecular consequence: missense variant.
Genome position (GRCh38, 1-based): chr7:87,431,499, T>C on the plus strand (A>G on the coding strand, the complement: ABCB4 is on the minus strand). VCF-style: chr7-87431499-T-C. GRCh37 (hg19) VCF-style: chr7-87060815-T-C.
Other names: c.1798A>G, p.Ile600Val (NM_018849.3, NM_018850.3); short protein forms I600V.
Identifiers: ClinVar variation 4846509 (VCV004846509.1).
Genomic context (GRCh38, chr7:87,431,499, plus strand): 5'-TCTTCATCAGTTCGCTGTGGCTTCCTTGCTCCACAATTACTCCATCCTCAAACCCAGCGA[T>C]GACATCTGCATTTCGGACCGTAGACAGTCGGTGTGCTATCACAATGGTGGTCCGGCCTTC-3'
Protein context (NP_000434.1, residues 590-610): RLSTVRNADV[Ile600Val]AGFEDGVIVE

ClinVar aggregate classification (germline): Uncertain significance (1 of 4 stars; one submission).

Conditions:
Familial intrahepatic cholestasis. Identifiers: Orphanet 284385, MedGen CN296401, MONDO:0017290.

gnomAD v4.1: 2 of 1,613,228 alleles (0.00012%); highest among the groups gnomAD compares: Non-Finnish European, 0.00017%; no homozygotes.

Submission:

Genomenon, Inc
Classification: Uncertain significance for Familial intrahepatic cholestasis. Last evaluated: 2026-04-14. Review status: criteria provided, single submitter. Criteria: Genomenon Sequence Variant Interpretation Standards - Updated. Collection method: curation. Allele origin: germline. Affected: yes.
Comment: ABCB4 p.Ile600Val (c.1798A>G) is a missense variant that changes the amino acid at residue 600 from Isoleucine to Valine. This variant has been observed in at least one proband with an ABCB4-related disorder (PMID:29390323). It is absent or not present at a significant frequency in gnomAD. In conclusion, we classify ABCB4 p.Ile600Val (c.1798A>G) as a variant of uncertain significance.

Literature cited by the submitters: PubMed 29390323.